The following is an entry in ClinVar:

ClinVar aggregate classification (germline): Pathogenic/Likely pathogenic. Review status: criteria provided, multiple submitters, no conflicts (2 of 4 stars). 5 submissions from 5 submitters: Pathogenic (3); Likely pathogenic (2). Last evaluated 2025-11-11.

Conditions:
Leukodystrophy, hypomyelinating, 18. Identifiers: MedGen C5193078, MONDO:0032730, OMIM 618404.

Allele frequency attached by ClinVar (database versions not stated): gnomAD 0.00001.
gnomAD v4.1: 12 of 1,614,060 alleles (0.00074%); highest among the groups gnomAD compares: Admixed American, 0.0017%; no homozygotes.

Submissions (5):

Labcorp Genetics (formerly Invitae), Labcorp
Classification: Pathogenic. Last evaluated: 2025-11-11. Review status: criteria provided, single submitter. Criteria: Invitae Variant Classification Sherloc (09022015). Collection method: clinical testing. Allele origin: germline.
Comment: This sequence change creates a premature translational stop signal (p.Arg173*) in the DEGS1 gene. It is expected to result in an absent or disrupted protein product. Loss-of-function variants in DEGS1 are known to be pathogenic (PMID: 30620337). This variant is not present in population databases (gnomAD no frequency). This premature translational stop signal has been observed in individual(s) with hypomyelinating leukodystrophy (PMID: 30620337). ClinVar contains an entry for this variant (Variation ID: 805858). For these reasons, this variant has been classified as Pathogenic.

GeneDx
Classification: Pathogenic. Last evaluated: 2024-12-19. Review status: criteria provided, single submitter. Criteria: GeneDx Variant Classification Process June 2021. Collection method: clinical testing. Allele origin: germline. Affected: yes.
Comment: Published functional studies demonstrate the p.R173* results in no enzymatic activity (PMID: 38342436); Nonsense variant predicted to result in protein truncation or nonsense mediated decay in a gene for which loss of function is a known mechanism of disease; Not observed at significant frequency in large population cohorts (gnomAD); This variant is associated with the following publications: (PMID: 38342436, 30620337, 38771357)

Pittsburgh Clinical Genomics Laboratory, University of Pittsburgh Medical Center
Classification: Likely pathogenic for Leukodystrophy, hypomyelinating, 18. Last evaluated: 2023-08-17. Review status: criteria provided, single submitter. Criteria: ACMG Guidelines, 2015. Collection method: clinical testing. Allele origin: germline. Inheritance: Autosomal recessive inheritance. Affected: yes.
Comment: This sequence variant is a single nucleotide substitution (C>T) in exon 2 of 3 of the DEGS1 gene and results in an early termition codon at residue 173 of the delta 4-desaturase, sphingolipid 1 protein. This variant is predicted to generate a non-functiol allele through either the expression of a truncated protein or a loss of DEGS1 expression due to nonsense mediated decay. This is a previously reported variant (ClinVar 805858) that has been observed in a homozygous individual affected by leukodystrophy (PMID: 30620337). This variant is absent from the gnomAD population database (0 of ~250,000 alleles). Haploinsufficiency in DEGS1 is a known mechanism of disease. Based upon the evidence, we consider this variant to be likely pathogenic. ACMG Criteria: BS4, PM2, PVS1

SIB Swiss Institute of Bioinformatics
Classification: Likely pathogenic for Leukodystrophy, hypomyelinating, 18. Last evaluated: 2019-09-25. Review status: criteria provided, single submitter. Criteria: ACMG Guidelines, 2015. Collection method: curation. Allele origin: unknown.
Comment: This variant is interpreted as a Likely pathogenic for Leukodystrophy, hypomyelinating, 18, autosomal recessive. The following ACMG Tag(s) were applied: PM2, PVS1-Strong.

Lifecell International Pvt. Ltd
Classification: Pathogenic for Leukodystrophy, hypomyelinating, 18. Review status: criteria provided, single submitter. Criteria: ACMG Guidelines, 2015. Collection method: clinical testing. Allele origin: germline. Inheritance: Autosomal recessive inheritance. Affected: yes. Observed: 1 compound heterozygote.
Comment: A Heterozygous Nonsense variant c.517C>T in Exon 2 of the DEGS1 gene that results in the amino acid substitution p.Arg173* was identified. The observed variant is novel in gnomAD exomes and genomes, respectively. The severity of the impact of this variant on the protein is high, based on the effect of the protein and REVEL score . Rare Exome Variant Ensemble Learner (REVEL) is an ensembl method for predicting the pathogenicity of missense variants based on a combination of scores from 13 individual tools: MutPred, FATHMM v2.3, VEST 3.0, PolyPhen-2, SIFT, PROVEAN, MutationAssessor, MutationTaster, LRT, GERP++, SiPhy, phyloP, and phastCons. The REVEL score for an individual missense variant can range from 0 to 1, with higher scores reflecting greater likelihood that the variant is disease-causing. ClinVar has also classified this variant as Likely Pathogenic [Variation ID: 805858]. This variant has previously been reported for hypomyelinating leukodystrophy by Devesh C.P et al., 2019. For these reasons, this variant has been classified as Pathogenic.

Literature cited by the submitters: PubMed 30620337 (cited by 4 submitters).

NM_003676.4(DEGS1):c.517C>T (p.Arg173Ter)

Gene: DEGS1 (delta 4-desaturase, sphingolipid 1; plus strand). Cytogenetic location: 1q42.11.
Variant type: single nucleotide variant.
Coding change: c.517C>T on transcript NM_003676.4 (MANE Select); coding-DNA position 517, C replaced by T.
Protein change: p.Arg173Ter; replaces arginine 173 with a stop codon.
Molecular consequence: nonsense.
Genome position (GRCh38, 1-based): chr1:224,190,011, C>T. VCF-style: chr1-224190011-C-T. GRCh37 (hg19) VCF-style: chr1-224377713-C-T.
Other names: c.517C>T, p.Arg173Ter (NM_001321541.2); c.409C>T, p.Arg137Ter (NM_001321542.2); c.517C>T (NM_003676.3); short protein forms R173*, R137*.
Identifiers: ClinVar variation 805858 (VCV000805858.6), dbSNP rs932183417, ClinGen allele CA344709591.
Genomic context (GRCh38, chr1:224,190,011, plus strand): 5'-TTCTGTACCGCTTTCAGAAAGTTTATATGGGTTATTCTTCAGCCTCTCTTTTATGCCTTT[C>T]GACCTCTGTTCATCAACCCCAAACCAATTACGTATCTGGAAGTTATCAATACCGTGGCAC-3'